The following is an entry in ClinVar:

NC_000009.11:g.(?_135782098)_(135796843_?)del

Gene: TSC1 (TSC complex subunit 1; minus strand). Cytogenetic location: 9q34.13.
Variant type: Deletion.
Identifiers: ClinVar variation 1075216 (VCV001075216.5).

ClinVar aggregate classification (germline): Pathogenic (1 of 4 stars; one submission).

Conditions:
Tuberous sclerosis 1 (TSC1). Identifiers: Orphanet 805, MedGen C1854465, MONDO:0008612, OMIM 191100.

Submission:

Labcorp Genetics (formerly Invitae), Labcorp
Classification: Pathogenic for Tuberous sclerosis 1. Last evaluated: 2020-01-31. Review status: criteria provided, single submitter. Criteria: Invitae Variant Classification Sherloc (09022015). Collection method: clinical testing. Allele origin: germline.
Comment: For these reasons, this variant has been classified as Pathogenic. Loss-of-function variants in TSC1 are known to be pathogenic (PMID: 10227394, 17304050). This variant has not been reported in the literature in individuals with TSC1-related conditions. This variant is an out-of-frame deletion of the genomic region encompassing exon(s) 8-14 of the TSC1 gene. This is expected to create a premature translational stop signal and result in an absent or disrupted protein product.

Literature cited by the submitters: PubMed 10227394; PubMed 17304050.